The following is an entry in ClinVar:

NM_000222.3(KIT):c.925+5del

Gene: KIT (KIT proto-oncogene, receptor tyrosine kinase; plus strand). Cytogenetic location: 4q12.
Variant type: Deletion.
Coding change: c.925+5del on transcript NM_000222.3 (MANE Select); 5 bases into the intron after coding-DNA position 925, one base deleted (A; older notation c.925+5delA).
Molecular consequence: intron variant.
Genome position (GRCh38, 1-based): chr4:54,703,897, A deleted; the last of 3 consecutive A bases (chr4:54,703,895-54,703,897); deleting any one gives the same sequence. VCF-style (leftmost placement, unchanged base first): chr4-54703894-TA-T. GRCh37 (hg19) VCF-style: chr4-55570060-TA-T.
Other names: c.928+5del (NM_001385284.1, NM_001385290.1, NM_001385288.1 and 1 more transcripts); c.925+5del (NM_001385285.1, NM_001093772.2, NM_001385286.1).
Identifiers: ClinVar variation 4858933 (VCV004858933.1).

ClinVar aggregate classification (germline): Uncertain significance (1 of 4 stars; one submission).

Conditions:
Hereditary cancer-predisposing syndrome. Also called: Neoplastic Syndromes, Hereditary; Tumor predisposition; Hereditary Cancer Syndrome; Hereditary neoplastic syndrome. Identifiers: Orphanet 140162, MedGen C0027672, MeSH D009386, MONDO:0015356.

Submission:

Ambry Genetics
Classification: Uncertain significance for Hereditary cancer-predisposing syndrome. Last evaluated: 2026-04-22. Review status: criteria provided, single submitter. Criteria: Ambry Variant Classification Scheme 2023. Collection method: clinical testing. Allele origin: germline.
Comment: The c.925+5delA intronic variant is located 5 nucleotides after coding exon 5 of the KIT gene. This variant results from a deletion of one nucleotide at position c.925+5. This nucleotide position is well conserved in available vertebrate species. In silico splice site analysis predicts that this alteration may result in the creation or strengthening of a novel splice donor site. Based on the available evidence, the clinical significance of this variant remains unclear.